The following is an entry in ClinVar:

NM_001365999.1(SZT2):c.400C>T (p.Arg134Trp)

Gene: SZT2 (SZT2 subunit of KICSTOR complex; plus strand). Cytogenetic location: 1p34.2.
Variant type: single nucleotide variant.
Coding change: c.400C>T on transcript NM_001365999.1 (MANE Select); coding-DNA position 400, C replaced by T.
Protein change: p.Arg134Trp; replaces arginine 134 with tryptophan.
Molecular consequence: missense variant.
Genome position (GRCh38, 1-based): chr1:43,404,452, C>T. VCF-style: chr1-43404452-C-T. GRCh37 (hg19) VCF-style: chr1-43870123-C-T.
Other names: c.400C>T, p.Arg134Trp (NM_015284.4); short protein forms R134W.
Identifiers: ClinVar variation 860451 (VCV000860451.11), dbSNP rs1409830966, ClinGen allele CA339997367.
Genomic context (GRCh38, chr1:43,404,452, plus strand): 5'-GGGGAGATCTTGTTTGATGAAGTTTTCCATGCCCTGTCCCGCTGCTTAGGCGGGCTGCTT[C>T]GGCCCTTCCGAGTGCCTGGATCTTGCATCGACTTCCAGCCTGAGATCTATGTAACTATCC-3'
Protein context (NP_001352928.1, residues 124-144): ALSRCLGGLL[Arg134Trp]PFRVPGSCID

ClinVar aggregate classification (germline): Uncertain significance. Review status: criteria provided, multiple submitters, no conflicts (2 of 4 stars). 3 submissions from 3 submitters: Uncertain significance (3). Last evaluated 2024-10-16.

Conditions:
Developmental and epileptic encephalopathy, 18 (DEE18). Also called: Early infantile epileptic encephalopathy 18. Identifiers: Orphanet 369894, MedGen C3809624, MONDO:0014201, OMIM 615476.
Inborn genetic diseases. Identifiers: MedGen C0950123, MeSH D030342.

Submissions (3):

Labcorp Genetics (formerly Invitae), Labcorp
Classification: Uncertain significance. Last evaluated: 2024-10-16. Review status: criteria provided, single submitter. Criteria: Invitae Variant Classification Sherloc (09022015). Collection method: clinical testing. Allele origin: germline.
Comment: This sequence change replaces arginine, which is basic and polar, with tryptophan, which is neutral and slightly polar, at codon 134 of the SZT2 protein (p.Arg134Trp). This variant is not present in population databases (gnomAD no frequency). This variant has not been reported in the literature in individuals affected with SZT2-related conditions. ClinVar contains an entry for this variant (Variation ID: 860451). Invitae Evidence Modeling of protein sequence and biophysical properties (such as structural, functional, and spatial information, amino acid conservation, physicochemical variation, residue mobility, and thermodynamic stability) indicates that this missense variant is not expected to disrupt SZT2 protein function with a negative predictive value of 80%. In summary, the available evidence is currently insufficient to determine the role of this variant in disease. Therefore, it has been classified as a Variant of Uncertain Significance.

Ambry Genetics
Classification: Uncertain significance for Inborn genetic diseases. Last evaluated: 2023-06-07. Review status: criteria provided, single submitter. Criteria: Ambry Variant Classification Scheme 2023. Collection method: clinical testing. Allele origin: germline.

Genome-Nilou Lab
Classification: Uncertain significance for Developmental and epileptic encephalopathy, 18. Last evaluated: 2023-04-11. Review status: criteria provided, single submitter. Criteria: ACMG Guidelines, 2015. Collection method: clinical testing. Allele origin: germline. Affected: no.